The following continues an entry in ClinVar:

NM_000388.4(CASR):c.554G>A (p.Arg185Gln)

Gene: CASR. ClinVar aggregate classification (germline): Pathogenic. Pathogenic (14).

Submissions 11 to 17 of 17:

GeneDx
Classification: Pathogenic. Last evaluated: 2018-05-04. Review status: criteria provided, single submitter. Criteria: GeneDx Variant Classification (06012015). Collection method: clinical testing. Allele origin: germline. Affected: yes.
Comment: The R185Q variant has been reported in association with CASR-related disorders (Pollak et al., 1993; Bai et al., 1997; Reh et al., 2011). In vitro functional studies demonstrated that the R185Q variant results in substantially decreased signaling capacity (Bai et al., 1996; Leach et al., 2012). The R185Q variant was not observed in approximately 6,500 individuals of European and African American ancestry in the NHLBI Exome Sequencing Project, indicating it is not a common benign variant in these populations. The R185Q variant is a semi-conservative amino acid substitution, which may impact secondary protein structure as these residues differ in some properties. This substitution occurs at a position that is conserved across species. In silico analysis predicts this variant is probably damaging to the protein structure/function. Therefore, this variant is pathogenic.

Molecular Diagnostics Lab, Nemours Children's Health, Delaware
Classification: Pathogenic for Familial hypocalciuric hypercalcemia 1. Last evaluated: 2016-03-14. Review status: criteria provided, single submitter. Criteria: ACMG Guidelines, 2015. Collection method: clinical testing. Allele origin: maternal. Affected: yes. Observed: 1 heterozygote.

Clinical Genetics Service, Universitary Hospital 12 de Octubre
Classification: Pathogenic for Familial hypocalciuric hypercalcemia 1. Review status: criteria provided, single submitter. Criteria: ACMG Guidelines, 2015. Collection method: clinical testing. Allele origin: germline. Affected: yes.

Wangler Lab, Baylor College of Medicine
Classification: Pathogenic for Familial hypocalciuric hypercalcemia 1. Review status: criteria provided, single submitter. Criteria: ACMG Guidelines, 2015. Collection method: clinical testing. Allele origin: maternal. Inheritance: Autosomal dominant inheritance. Affected: yes. Observed: 1 heterozygote.
Comment: This missense CASR variant at c.554G>A (p.R185Q) was seen on exome through the Texome project (R01HG011795). This variant has been previously reported in individuals with Hypocalciuric hypercalcemia, type I and/or Hyperparathyroidism, neonatal (PMID: 7916660, 9011580, 21289269, 24203066, 27666534). Functional studies suggest this variant is functionally defective (PMID: 9011580, 12114500, 17284438) (PS3). This variant has not been observed in gnomAD (PM2). It is predicted to be deleterious by multiple computational models (CADD: 30.000)(PP3), and the evolutionary conservation of this residue is high. We classify this variant as pathogenic.

PreventionGenetics, part of Exact Sciences
Classification: Pathogenic for CASR-related condition. Last evaluated: 2024-03-25. Review status: no assertion criteria provided. Collection method: clinical testing. Allele origin: germline. Not counted in ClinVar's aggregate classification.
Comment: The CASR c.554G>A variant is predicted to result in the amino acid substitution p.Arg185Gln. This variant has been reported in many individuals to be causative for familial hypocalciuric hypercalcemia or neonatal hyperparathyroidism (Pollak et al. 1993. PubMed ID: 7916660; Bai et al. 1997. PubMed ID: 9011580; Reh et al. 2011. PubMed ID: 21289269; Obermannova et al. 2008. PubMed ID: 18751724; Glaudo et al. 2016. PubMed ID: 27666534). Functional studies indicate this variant alters protein function (Zhang et al. 2002. PubMed ID: 12114500; Bai et al. 1997. PubMed ID: 9011580). To our knowledge, this variant has not been reported in a large population database, indicating this variant is rare. This variant is interpreted as pathogenic.

OMIM
Classification: Pathogenic for HYPOCALCIURIC HYPERCALCEMIA, FAMILIAL, TYPE I. Last evaluated: 1997-01-01. Review status: no assertion criteria provided. Collection method: literature only. Allele origin: germline. Not counted in ClinVar's aggregate classification.

OMIM
Classification: Pathogenic for HYPERPARATHYROIDISM, NEONATAL SEVERE. Last evaluated: 1997-01-01. Review status: no assertion criteria provided. Collection method: literature only. Allele origin: germline. Not counted in ClinVar's aggregate classification.

Literature cited by the submitters: PubMed 7916660 (cited by 6 submitters); PubMed 9011580 (cited by 8 submitters); PubMed 18751724 (cited by 5 submitters); PubMed 21289269 (cited by 5 submitters); PubMed 22422767 (cited by 3 submitters); PubMed 24203066 (cited by 5 submitters); PubMed 25091521 (cited by Labcorp Genetics (formerly Invitae), Labcorp and Athena Diagnostics); PubMed 26161261 (cited by 3 submitters); PubMed 12095982 (cited by Labcorp Genetics (formerly Invitae), Labcorp); PubMed 12114500 (cited by Labcorp Genetics (formerly Invitae), Labcorp and Wangler Lab, Baylor College of Medicine); PubMed 17284438 (cited by 3 submitters); PubMed 19759318 (cited by Labcorp Genetics (formerly Invitae), Labcorp and Athena Diagnostics); PubMed 22798347 (cited by Labcorp Genetics (formerly Invitae), Labcorp and Athena Diagnostics); PubMed 23372019 (cited by Mayo Clinic Laboratories, Mayo Clinic and Athena Diagnostics); PubMed 27666534 (cited by 4 submitters); PubMed 7791841 (cited by Mayo Clinic Laboratories, Mayo Clinic and OMIM); PubMed 10770217 (cited by Women's Health and Genetics/Laboratory Corporation of America, LabCorp); PubMed 11013439 (cited by Women's Health and Genetics/Laboratory Corporation of America, LabCorp); PubMed 8636323 (cited by Women's Health and Genetics/Laboratory Corporation of America, LabCorp and Athena Diagnostics); PubMed 7726161 (cited by Women's Health and Genetics/Laboratory Corporation of America, LabCorp); PubMed 8702647 (cited by 3 submitters); PubMed 12890593 (cited by Women's Health and Genetics/Laboratory Corporation of America, LabCorp); PubMed 15292296 (cited by Women's Health and Genetics/Laboratory Corporation of America, LabCorp); PubMed 17473068 (cited by Women's Health and Genetics/Laboratory Corporation of America, LabCorp); PubMed 17555508 (cited by Women's Health and Genetics/Laboratory Corporation of America, LabCorp); PubMed 18328986 (cited by Women's Health and Genetics/Laboratory Corporation of America, LabCorp); PubMed 17478419 (cited by Women's Health and Genetics/Laboratory Corporation of America, LabCorp); PubMed 19389809 (cited by Illumina Laboratory Services, Illumina and Athena Diagnostics); PubMed 28176280 (cited by Athena Diagnostics); PubMed 25701758 (cited by Athena Diagnostics); PubMed 29848507 (cited by Athena Diagnostics); PubMed 27739473 (cited by Athena Diagnostics); PubMed 791660 (cited by Molecular Diagnostics Lab, Nemours Children's Health, Delaware); PubMed 15751724 (cited by Molecular Diagnostics Lab, Nemours Children's Health, Delaware); PubMed 7054696 (cited by OMIM).